The following is an entry in ClinVar:

NM_001844.5(COL2A1):c.1859del (p.Lys620fs)

Gene: COL2A1 (collagen type II alpha 1 chain; minus strand). Cytogenetic location: 12q13.11.
Variant type: Deletion.
Coding change: c.1859del on transcript NM_001844.5 (MANE Select); coding-DNA position 1859, one base deleted (A; older notation c.1859delA).
Protein change: p.Lys620fs; shifts the reading frame from lysine 620.
Molecular consequence: frameshift variant.
Genome position (GRCh38, 1-based): chr12:47,984,574, T deleted on the plus strand (A on the coding strand, the reverse complement: COL2A1 is on the minus strand); the first of 2 consecutive T bases (chr12:47,984,574-47,984,575); deleting either gives the same sequence. VCF-style (leftmost placement, unchanged base first): chr12-47984573-CT-C. GRCh37 (hg19) VCF-style: chr12-48378356-CT-C.
Other names: c.1652del, p.Lys551fs (NM_033150.3); short protein forms K551fs, K620fs.
Identifiers: ClinVar variation 2036751 (VCV002036751.4), dbSNP rs2540143217, ClinGen allele CA2580085462.

ClinVar aggregate classification (germline): Pathogenic (1 of 4 stars; one submission).

Submission:

Labcorp Genetics (formerly Invitae), Labcorp
Classification: Pathogenic. Last evaluated: 2023-03-11. Review status: criteria provided, single submitter. Criteria: Invitae Variant Classification Sherloc (09022015). Collection method: clinical testing. Allele origin: germline.
Comment: This sequence change creates a premature translational stop signal (p.Lys620Argfs*9) in the COL2A1 gene. It is expected to result in an absent or disrupted protein product. Loss-of-function variants in COL2A1 are known to be pathogenic (PMID: 20179744). For these reasons, this variant has been classified as Pathogenic. ClinVar contains an entry for this variant (Variation ID: 2036751). This variant has not been reported in the literature in individuals affected with COL2A1-related conditions. This variant is not present in population databases (gnomAD no frequency).

Literature cited by the submitters: PubMed 20179744.